The following is an entry in ClinVar:

NM_205861.3(DHDDS):c.638G>A (p.Ser213Asn)

Gene: DHDDS (dehydrodolichyl diphosphate synthase subunit; plus strand). Cytogenetic location: 1p36.11.
Variant type: single nucleotide variant.
Coding change: c.638G>A on transcript NM_205861.3 (MANE Select); coding-DNA position 638, G replaced by A.
Protein change: p.Ser213Asn; replaces serine 213 with asparagine.
Molecular consequence: missense variant.
Genome position (GRCh38, 1-based): chr1:26,457,886, G>A. VCF-style: chr1-26457886-G-A. GRCh37 (hg19) VCF-style: chr1-26784377-G-A.
Other names: c.536G>A, p.Ser179Asn (NM_001243564.2); c.521G>A, p.Ser174Asn (NM_001243565.2); c.359G>A, p.Ser120Asn (NM_001319959.2); c.638G>A, p.Ser213Asn (NM_024887.4); short protein forms S120N, S174N, S179N, S213N.
Identifiers: ClinVar variation 2637052 (VCV002637052.1), dbSNP rs2524687222, ClinGen allele CA339144838.

ClinVar aggregate classification (germline): Likely pathogenic (1 of 4 stars; one submission).

Conditions:
DHDDS-related disorder. Also called: DHDDS-related condition.

Submission:

PreventionGenetics, part of Exact Sciences
Classification: Likely pathogenic for DHDDS-related condition. Last evaluated: 2022-10-21. Review status: criteria provided, single submitter. Criteria: ACMG Guidelines, 2015. Collection method: clinical testing. Allele origin: germline.
Comment: The DHDDS c.638G>A variant is predicted to result in the amino acid substitution p.Ser213Asn. This variant has been documented, including as a de novo finding, in patients with DHDDS-related developmental delay and seizures with or without movement abnormalities, and functional studies support its pathogenicity (Galosi et al. 2022. PubMed ID: 34382076; Kim et al. 2021. PubMed ID: 34837344). This variant has not been reported in a large population database, indicating it is rare. This variant is interpreted as likely pathogenic.